The following is an entry in ClinVar:

ClinVar aggregate classification (germline): Pathogenic/Likely pathogenic. Review status: criteria provided, multiple submitters, no conflicts (2 of 4 stars). 6 submissions from 6 submitters: Pathogenic (3); Likely pathogenic (2). 1 of the submissions does not count toward it. Last evaluated 2024-03-09.

Conditions:
Spastic ataxia. Identifiers: Orphanet 316226, MedGen C1849156, MONDO:0017845, HP:0002497.
Hereditary spastic paraplegia 7 (SPG7). Also called: SPASTIC PARAPLEGIA 7, AUTOSOMAL RECESSIVE, WITH OR WITHOUT CEREBELLAR ATAXIA; Spastic paraplegia 7; Hereditary spastic paraplegia Paraplegin type; Autosomal recessive spastic paraplegia type 7; SPG7-related neurologic disorder. Identifiers: Orphanet 99013, MedGen C1846564, MONDO:0011803, OMIM 607259.

Submissions (6):

GeneDx
Classification: Pathogenic. Last evaluated: 2024-03-09. Review status: criteria provided, single submitter. Criteria: GeneDx Variant Classification Process June 2021. Collection method: clinical testing. Allele origin: germline. Affected: yes.
Comment: Nonsense variant predicted to result in protein truncation or nonsense mediated decay in a gene for which loss of function is a known mechanism of disease; Not observed at significant frequency in large population cohorts (gnomAD); This variant is associated with the following publications: (PMID: 33624863)

Intergen Genetics and Rare Diseases Diagnosis Center
Classification: Likely pathogenic for Hereditary spastic paraplegia 7. Last evaluated: 2023-09-19. Review status: criteria provided, single submitter. Criteria: ACMG Guidelines, 2015. Collection method: clinical testing. Allele origin: unknown. Inheritance: Autosomal recessive inheritance. Observed: 1 heterozygote.

3billion
Classification: Likely pathogenic for Hereditary spastic paraplegia 7. Last evaluated: 2022-03-22. Review status: criteria provided, single submitter. Criteria: ACMG Guidelines, 2015. Collection method: clinical testing. Allele origin: germline. Affected: yes. Observed: 1 heterozygote.
Comment: Stop-gained (nonsense): predicted to result in a loss or disruption of normal protein function through nonsense-mediated decay (NMD) or protein truncation. Multiple pathogenic variants are reported downstream of the variant.It is not observed in the gnomAD v2.1.1 dataset. Therefore, this variant is classified as likely pathogenic according to the recommendation of ACMG/AMP guideline.

PROSPAX: an integrated multimodal progression  chart in spastic ataxias, Center for Neurology; Hertie-Institute for Clinical Brain Research
Classification: Pathogenic for Hereditary spastic paraplegia 7. Last evaluated: 2022-01-01. Review status: criteria provided, single submitter. Criteria: ACMG Guidelines, 2015. Collection method: research. Allele origin: germline. Affected: yes. Observed: 1 variant allele, 1 compound heterozygote.

Tetreault Lab, University of Montreal Hospital Research Centre (CRCHUM)
Classification: Pathogenic for Spastic ataxia. Review status: criteria provided, single submitter. Criteria: ACMG Guidelines, 2015. Collection method: research. Allele origin: germline. Affected: yes. Observed: 1 compound heterozygote.
Comment: Stop-gain/nonsense variant of SPG7 predicted to result in a loss-of-function of the mitochondrial metalloprotease through protein truncation and possibly nonsense-mediated decay (NMD). The allele frequency is near-null (gnomAD AF = 0) but the variant has previously been reported once through ClinVar for Spastic Paraplegia 7. Numerous pathogenic variants are reported downstream of the stopgain. In silico predictions support loss-of-function of the allele (CADD = 39; SIFT = 1.00). The metalloprotease is important for mitochondrial function, which correlates with the mitochondrial-related phenotypes of the associated condition. Causes Spastic ataxia with episodic manifestations in compound heterozygosity with NM_003119.4 c.2228T>C.

Solve-RD Consortium
Classification: Likely pathogenic for Hereditary spastic paraplegia 7. Last evaluated: 2022-06-01. Review status: no assertion criteria provided. Collection method: provider interpretation. Allele origin: inherited. Affected: yes. Not counted in ClinVar's aggregate classification.
Comment: Variant confirmed as disease-causing by referring clinical team

Variant identified during reanalysis of unsolved cases by the Solve-RD project. The Solve-RD project has received funding from the European Union’s Horizon 2020 research and innovation programme under grant agreement No 779257.

Literature cited by the submitters: DOI 10.1038/ejhg.2015.240 (cited by Tetreault Lab, University of Montreal Hospital Research Centre (CRCHUM)); PubMed 39825153 (cited by Solve-RD Consortium).

NM_003119.4(SPG7):c.1861C>T (p.Gln621Ter)

Gene: SPG7 (SPG7 matrix AAA peptidase subunit, paraplegin; plus strand). Cytogenetic location: 16q24.3.
Variant type: single nucleotide variant.
Coding change: c.1861C>T on transcript NM_003119.4 (MANE Select); coding-DNA position 1861, C replaced by T.
Protein change: p.Gln621Ter; replaces glutamine 621 with a stop codon.
Molecular consequence: nonsense.
Genome position (GRCh38, 1-based): chr16:89,553,060, C>T. VCF-style: chr16-89553060-C-T. GRCh37 (hg19) VCF-style: chr16-89619468-C-T.
Other names: c.1861C>T (NM_003119.2); c.1861C>T, p.Gln621Ter (NM_001363850.1); short protein forms Q621*.
Identifiers: ClinVar variation 1526041 (VCV001526041.7), dbSNP rs769258044, ClinGen allele CA397432719.